The following is an entry in ClinVar:

NM_053013.4(ENO3):c.-3+15C>G

Gene: ENO3 (enolase 3; plus strand). Cytogenetic location: 17p13.2.
Variant type: single nucleotide variant.
Coding change: c.-3+15C>G on transcript NM_053013.4 (MANE Select); 15 bases into the intron after 3 bases upstream of the start codon, C replaced by G.
Molecular consequence: intron variant. On other transcripts: 5 prime UTR variant (1).
Genome position (GRCh38, 1-based): chr17:4,951,197, C>G. VCF-style: chr17-4951197-C-G. GRCh37 (hg19) VCF-style: chr17-4854492-C-G.
Other names: c.-30C>G (NM_001976.5); c.-3+15C>G (NM_001193503.2).
Identifiers: ClinVar variation 680914 (VCV000680914.1), dbSNP rs188510021, ClinGen allele CA287172027.

ClinVar aggregate classification (germline): Likely benign (1 of 4 stars; one submission).

Allele frequency attached by ClinVar (database versions not stated): gnomAD 0.00001 and 0.00002; TOPMed 0.00001; gnomAD exomes 0.00003; 1000 Genomes Project 30x 0.00016; 1000 Genomes Project 0.00020.

Submission:

GeneDx
Classification: Likely benign. Last evaluated: 2018-04-02. Review status: criteria provided, single submitter. Criteria: GeneDx Variant Classification (06012015). Collection method: clinical testing. Allele origin: germline. Affected: yes.
Comment: This variant is considered likely benign or benign based on one or more of the following criteria: it is a conservative change, it occurs at a poorly conserved position in the protein, it is predicted to be benign by multiple in silico algorithms, and/or has population frequency not consistent with disease.